The following is an entry in ClinVar:

NM_000093.5(COL5A1):c.655-1G>T

Gene: COL5A1 (collagen type V alpha 1 chain; plus strand). Cytogenetic location: 9q34.3.
Variant type: single nucleotide variant.
Coding change: c.655-1G>T on transcript NM_000093.5 (MANE Select); the canonical splice acceptor site of the intron before coding-DNA position 655, G replaced by T.
Molecular consequence: splice acceptor variant.
Genome position (GRCh38, 1-based): chr9:134,727,265, G>T. VCF-style: chr9-134727265-G-T. GRCh37 (hg19) VCF-style: chr9-137619111-G-T.
Other names: c.655-1G>T (NM_001278074.1).
Identifiers: ClinVar variation 4728261 (VCV004728261.1).

ClinVar aggregate classification (germline): Pathogenic (1 of 4 stars; one submission).

Conditions:
Ehlers-Danlos syndrome, classic type, 1 (EDSCL1). Also called: EHLERS-DANLOS SYNDROME, GRAVIS TYPE; EHLERS-DANLOS SYNDROME, SEVERE CLASSIC TYPE; Ehlers-Danlos syndrome, type 1; Ehlers-Danlos Syndrome, Classic Type, COL5A1-Related; EDS I. Identifiers: MedGen C0268335, MONDO:0019567, OMIM 130000.

Submission:

Labcorp Genetics (formerly Invitae), Labcorp
Classification: Pathogenic for Ehlers-Danlos syndrome, classic type, 1. Last evaluated: 2025-10-01. Review status: criteria provided, single submitter. Criteria: Invitae Variant Classification Sherloc (09022015). Collection method: clinical testing. Allele origin: germline.
Comment: This sequence change affects an acceptor splice site in intron 4 of the COL5A1 gene. It is expected to disrupt RNA splicing. Variants that disrupt the donor or acceptor splice site typically lead to a loss of protein function (PMID: 16199547), and loss-of-function variants in COL5A1 are known to be pathogenic (PMID: 23587214). This variant is not present in population databases (gnomAD no frequency). Disruption of this splice site has been observed in individuals with COL5A1-related conditions (PMID: 2145749, 34265140; internal data). Studies have shown that disruption of this splice site is associated with altered splicing resulting in multiple RNA products (PMID: 12145749). For these reasons, this variant has been classified as Pathogenic.

Literature cited by the submitters: PubMed 16199547; PubMed 23587214; PubMed 2145749; PubMed 34265140; PubMed 12145749.